The following is an entry in ClinVar:

ClinVar aggregate classification (germline): Uncertain significance. Review status: criteria provided, multiple submitters, no conflicts (2 of 4 stars). 2 submissions from 2 submitters: Uncertain significance (2). Last evaluated 2024-11-25.

Submissions (2):

GeneDx
Classification: Uncertain significance. Last evaluated: 2024-11-25. Review status: criteria provided, single submitter. Criteria: GeneDx Variant Classification Process June 2021. Collection method: clinical testing. Allele origin: germline. Affected: yes.
Comment: Not observed at significant frequency in large population cohorts (gnomAD); In silico analysis supports a deleterious effect on splicing; Has not been previously published as pathogenic or benign to our knowledge

Labcorp Genetics (formerly Invitae), Labcorp
Classification: Uncertain significance. Last evaluated: 2021-08-28. Review status: criteria provided, single submitter. Criteria: Invitae Variant Classification Sherloc (09022015). Collection method: clinical testing. Allele origin: germline.
Comment: This sequence change falls in intron 15 of the MYO7A gene. It does not directly change the encoded amino acid sequence of the MYO7A protein. This variant is not present in population databases (ExAC no frequency). This variant has not been reported in the literature in individuals affected with MYO7A-related conditions. Algorithms developed to predict the effect of sequence changes on RNA splicing suggest that this variant may create or strengthen a splice site. In summary, the available evidence is currently insufficient to determine the role of this variant in disease. Therefore, it has been classified as a Variant of Uncertain Significance.

NM_000260.4(MYO7A):c.1798-11C>A

Gene: MYO7A (myosin VIIA; plus strand). Cytogenetic location: 11q13.5.
Variant type: single nucleotide variant.
Coding change: c.1798-11C>A on transcript NM_000260.4 (MANE Select); 11 bases into the intron before coding-DNA position 1798, C replaced by A.
Molecular consequence: intron variant.
Genome position (GRCh38, 1-based): chr11:77,172,737, C>A. VCF-style: chr11-77172737-C-A. GRCh37 (hg19) VCF-style: chr11-76883783-C-A.
Other names: c.1765-11C>A (NM_001369365.1); c.1798-11C>A (NM_001127180.2).
Identifiers: ClinVar variation 1498393 (VCV001498393.6), dbSNP rs782146561, ClinGen allele CA600344541.